The following is an entry in ClinVar:

NM_002474.3(MYH11):c.4663C>G (p.Leu1555Val)

Genes: MYH11 (myosin heavy chain 11; minus strand), NDE1 (nudE neurodevelopment protein 1; plus strand). Cytogenetic location: 16p13.11.
Variant type: single nucleotide variant.
Coding change: c.4663C>G on transcript NM_002474.3 (MANE Select); coding-DNA position 4663, C replaced by G.
Protein change: p.Leu1555Val; replaces leucine 1555 with valine.
Molecular consequence: missense variant. On other transcripts: intron variant (2).
Genome position (GRCh38, 1-based): chr16:15,720,967, G>C on the plus strand (C>G on the coding strand, the complement: MYH11 is on the minus strand). VCF-style: chr16-15720967-G-C. GRCh37 (hg19) VCF-style: chr16-15814824-G-C.
Other names: c.4684C>G, p.Leu1562Val (NM_001040113.2, NM_001040114.2); c.4663C>G, p.Leu1555Val (NM_022844.3); c.948-3224G>C (NM_001143979.2, NM_017668.3); short protein forms L1562V, L1555V.
Identifiers: ClinVar variation 318110 (VCV000318110.10), dbSNP rs202231621, ClinGen allele CA10643056.
Genomic context (GRCh38, chr16:15,720,967, plus strand): 5'-GGCCCTTGAGCGCCTGCATGTTGACTTCCAGCCGCAGTTTGGCGTCCTCCGTGGCTTGCA[G>C]CTCGTCCTCCAGCTCTTCCAGCTGCGTCTTCATCTCCTCCATCTGGGTCTCCAGGGCCCG-3'
Protein context (NP_002465.1, residues 1545-1565): KTQLEELEDE[Leu1555Val]QATEDAKLRL

ClinVar aggregate classification (germline): Uncertain significance. Review status: criteria provided, multiple submitters, no conflicts (2 of 4 stars). 3 submissions from 3 submitters: Uncertain significance (3). Last evaluated 2023-12-05.

Conditions:
Familial thoracic aortic aneurysm and aortic dissection (TAAD). Also called: Thoracic aortic aneurysms and dissections. Identifiers: Orphanet 91387, MedGen C4707243, MONDO:0019625.
Aortic aneurysm, familial thoracic 4 (AAT4). Also called: AORTIC ANEURYSM/AORTIC DISSECTION AND PATENT DUCTUS ARTERIOSUS. Identifiers: MedGen C1851504, MONDO:0007568, OMIM 132900.

gnomAD v4.1: 3 of 1,614,062 alleles (0.00019%); highest among the groups gnomAD compares: Middle Eastern, 0.05%; no homozygotes.

Submissions (3):

Color Diagnostics, LLC DBA Color Health
Classification: Uncertain significance for Familial thoracic aortic aneurysm and aortic dissection. Last evaluated: 2023-12-05. Review status: criteria provided, single submitter. Criteria: ACMG Guidelines, 2015. Collection method: clinical testing. Allele origin: germline.
Comment: Variant of Uncertain Significance due to insufficient evidence: This missense variant is located in the coiled coil myosin tail domain of the MYH11 protein. Computational prediction tools and conservation analyses suggest that this variant may have deleterious impact on the protein function. Computational splicing tools suggest that this variant may not impact RNA splicing. To our knowledge, functional assays have not been performed for this variant nor has this variant been reported in individuals affected with cardiovascular disorders in the literature. This variant is rare in the general population and has been identified in 0/277264 chromosomes by the Genome Aggregation Database (gnomAD). Available evidence is insufficient to determine the pathogenicity of this variant conclusively.

GeneDx
Classification: Uncertain significance. Last evaluated: 2018-09-14. Review status: criteria provided, single submitter. Criteria: GeneDx Variant Classification (06012015). Collection method: clinical testing. Allele origin: germline. Affected: yes.
Comment: The L1562V variant in the MYH11 gene has not been reported previously as a pathogenic variant, nor as a benign variant, to our knowledge. The L1562V variant is not observed in large population cohorts (Lek et al., 2016). The L1562V variant is a conservative amino acid substitution, which is not likely to impact secondary protein structure as these residues share similar properties. However, in-silico analyses, including protein predictors and evolutionary conservation, support a deleterious effect. We interpret L1562V as a variant of uncertain significance.

Illumina Laboratory Services, Illumina
Classification: Uncertain significance for Aortic aneurysm, familial thoracic 4. Last evaluated: 2018-01-12. Review status: criteria provided, single submitter. Criteria: ICSL Variant Classification Criteria 13 December 2019. Collection method: clinical testing. Allele origin: germline.